The following is an entry in ClinVar:

ClinVar aggregate classification (germline): Likely benign. Review status: criteria provided, multiple submitters, no conflicts (2 of 4 stars). 2 submissions from 2 submitters: Likely benign (2). Last evaluated 2026-08-01.

Conditions:
Inborn genetic diseases. Identifiers: MedGen C0950123, MeSH D030342.

gnomAD v4.1: 5 of 1,613,850 alleles (0.00031%); highest among the groups gnomAD compares: Admixed American, 0.0067%; 1 homozygote.

Submissions (2):

CeGaT Center for Human Genetics Tuebingen
Classification: Likely benign. Last evaluated: 2026-08-01. Review status: criteria provided, single submitter. Criteria: CeGaT Center For Human Genetics Tuebingen Variant Classification Criteria Version 2. Collection method: clinical testing. Allele origin: germline. Affected: yes. Observed: 1 variant allele.
Comment: STX1A: BP4, BP7

Ambry Genetics
Classification: Likely benign for Inborn genetic diseases. Last evaluated: 2025-03-26. Review status: criteria provided, single submitter. Criteria: Ambry Variant Classification Scheme 2023. Collection method: clinical testing. Allele origin: germline.

NM_004603.4(STX1A):c.756G>A (p.Lys252=)

Gene: STX1A (syntaxin 1A; minus strand). Cytogenetic location: 7q11.23.
Variant type: single nucleotide variant.
Coding change: c.756G>A on transcript NM_004603.4 (MANE Select); coding-DNA position 756, G replaced by A.
Protein change: p.Lys252=; no amino-acid change (lysine 252 retained).
Molecular consequence: synonymous variant. On other transcripts: missense variant (1).
Genome position (GRCh38, 1-based): chr7:73,700,763, C>T on the plus strand (G>A on the coding strand, the complement: STX1A is on the minus strand). VCF-style: chr7-73700763-C-T. GRCh37 (hg19) VCF-style: chr7-73115093-C-T.
Other names: c.710G>A, p.Arg237Lys (NM_001165903.2); short protein forms R237K.
Identifiers: ClinVar variation 3963688 (VCV003963688.2).